The following is an entry in ClinVar:

ClinVar aggregate classification (germline): Pathogenic (1 of 4 stars; one submission).

Conditions:
Hereditary nonpolyposis colorectal neoplasms. Identifiers: MedGen C0009405, MeSH D003123.

Submission:

Labcorp Genetics (formerly Invitae), Labcorp
Classification: Pathogenic for Hereditary nonpolyposis colorectal neoplasms. Last evaluated: 2018-07-15. Review status: criteria provided, single submitter. Criteria: Invitae Variant Classification Sherloc (09022015). Collection method: clinical testing. Allele origin: germline.
Comment: For these reasons, this variant has been classified as Pathogenic. Loss-of-function variants in PMS2 are known to be pathogenic (PMID: 21376568, 24362816). This variant has not been reported in the literature in individuals with PMS2-related disease. This variant is not present in population databases (ExAC no frequency). This sequence change creates a premature translational stop signal (p.Thr558Profs*37) in the PMS2 gene. It is expected to result in an absent or disrupted protein product.

Literature cited by the submitters: PubMed 21376568; PubMed 24362816.

NM_000535.7(PMS2):c.1672del (p.Thr558fs)

Gene: PMS2 (PMS1 homolog 2, mismatch repair system component; minus strand). Cytogenetic location: 7p22.1.
Variant type: Deletion.
Coding change: c.1672del on transcript NM_000535.7 (MANE Select); coding-DNA position 1672, one base deleted (A; older notation c.1672delA).
Protein change: p.Thr558fs; shifts the reading frame from threonine 558.
Molecular consequence: frameshift variant. On other transcripts: non-coding transcript variant (1).
Genome position (GRCh38, 1-based): chr7:5,987,093, T deleted on the plus strand (A on the coding strand, the reverse complement: PMS2 is on the minus strand). VCF-style (leftmost placement, unchanged base first): chr7-5987092-GT-G. GRCh37 (hg19) VCF-style: chr7-6026723-GT-G.
Other names: c.1267del, p.Thr423fs (NM_001322003.2, NM_001322004.2, NM_001322005.2 and 1 more transcripts); c.1516del, p.Thr506fs (NM_001322006.2); c.1354del, p.Thr452fs (NM_001322007.2, NM_001322008.2); c.1111del, p.Thr371fs (NM_001322010.2); c.739del, p.Thr247fs (NM_001322011.2, NM_001322012.2); c.1099del, p.Thr367fs (NM_001322013.2); c.1672del, p.Thr558fs (NM_001322014.2); c.1363del, p.Thr455fs (NM_001322015.2); short protein forms T455fs, T423fs, T452fs, T506fs, T247fs, T367fs, T371fs, T558fs.
Identifiers: ClinVar variation 567801 (VCV000567801.7), dbSNP rs1562629003, ClinGen allele CA891842811.
Genomic context (GRCh38, chr7:5,987,092, plus strand): 5'-CGCTTTGTGTTTGGGGTTGCGAGATTAGTTGGCTGAGGCAAAACTCGAAATTTACATCCG[GT>G]ATCTTCCTGGTTTGAATGGCAGTCCACATCTGAAAAAGAGTCGTCAGTTTTAGGCGCTTT-3'